The following is an entry in ClinVar:

NM_000059.4(BRCA2):c.8754+4A>T

Gene: BRCA2 (BRCA2 DNA repair associated; plus strand). Cytogenetic location: 13q13.1.
Variant type: single nucleotide variant.
Coding change: c.8754+4A>T on transcript NM_000059.4 (MANE Select); 4 bases into the intron after coding-DNA position 8754, A replaced by T.
Molecular consequence: intron variant.
Genome position (GRCh38, 1-based): chr13:32,376,795, A>T. VCF-style: chr13-32376795-A-T. GRCh37 (hg19) VCF-style: chr13-32950932-A-T.
Identifiers: ClinVar variation 220353 (VCV000220353.23), dbSNP rs81002893, ClinGen allele CA348420.

ClinVar aggregate classification (germline): Pathogenic. Review status: reviewed by expert panel (3 of 4 stars). 7 submissions from 7 submitters: Pathogenic (1). 6 of the submissions do not count toward it. Last evaluated 2026-07-15.

Conditions:
BRCA2-related cancer predisposition. Identifiers: MedGen CN377758, MONDO:0700269.
Hereditary cancer-predisposing syndrome. Also called: Hereditary Cancer Syndrome; Neoplastic Syndromes, Hereditary; Tumor predisposition; Hereditary neoplastic syndrome. Identifiers: Orphanet 140162, MedGen C0027672, MeSH D009386, MONDO:0015356.
Hereditary breast ovarian cancer syndrome. Also called: Hereditary breast and ovarian cancer syndrome (HBOC); Hereditary breast and ovarian cancer syndrome; Hereditary breast and ovarian cancer; Breast and ovarian cancer; Hereditary breast and/or ovarian cancer syndrome; BRCA1- and BRCA2-Associated Hereditary Breast and Ovarian Cancer. Identifiers: Orphanet 145, MedGen C0677776, MeSH D061325, MONDO:0003582. Disease mechanism: loss of function.
Breast-ovarian cancer, familial, susceptibility to, 2 (BROVCA2). Also called: BRCA2 Hereditary Breast and Ovarian Cancer. Identifiers: Orphanet 145, MedGen C2675520, MONDO:0012933, OMIM 612555. Disease mechanism: loss of function.
Familial cancer of breast. Also called: BREAST CANCER, FAMILIAL; Hereditary breast cancer; hereditary breast carcinoma. Identifiers: Orphanet 227535, MedGen C0346153, MONDO:0016419, OMIM 114480. Disease mechanism: loss of function.

Submissions (7):

ClinGen ENIGMA BRCA1 and BRCA2 Variant Curation Expert Panel, ClinGen
Classification: Pathogenic for BRCA2-related cancer predisposition. Last evaluated: 2026-07-15. Review status: reviewed by expert panel. Criteria: CSpec BRCA1/2ACMG Rules Specifications V1.2. Collection method: curation. Allele origin: germline. Inheritance: Autosomal dominant inheritance.
Comment: The c.8754+4A>T variant is an intronic variant occurring in intron 21 of the BRCA2 gene. This variant is absent from gnomAD v4.1 (read depth ≥25x in >90% samples, PM2_Supporting met). This BRCA2 intronic variant is located outside of the native donor and acceptor 1,2 splice sites, and has a SpliceAI score of 0.77, predicting an impact on splicing (score threshold ≥0.2) (PP3 not applied because a PVS1 code is met). Multifactorial likelihood ratio analysis using clinically calibrated data produced a combined LR for this variant of 6.71 (based on Family History LR=6.71), within the thresholds for moderate evidence towards pathogenicity (LR >4.3 & ≤18.7) (PP4_Moderate met; PMID: 31853058). Intronic variant, functional data considered only from assays that measure effect via mRNA and protein. Reported by two calibrated studies incorporating mRNA splicing effects to exhibit protein function similar to pathogenic control variants (PMIDs: 39779857, 39779848) (PS3 met). This variant is reported to result in aberrant mRNA splicing. RT-PCRseq demonstrated that the variant impacts splicing by partial intron retention, predicted to lead to a frameshift. The percent of aberrant transcripts produced was >90%, using a non-allele specific quantitative assessment with sequence analysis (Ambry internal data). The VCEP estimate no full length transcript is produced by the variant allele. Appropriate code strength determined by comparison of results to PVS1 decision tree and Rubric of weighing mRNA data (Appendix Table 9): PVS1_Strong (RNA). Another variant at the same nucleotide position (c.8754+4A>G) is classified as Pathogenic by the ENIGMA BRCA1/2 VCEP. The SpliceAI predictions indicate that the two variants are likely to lead to the same event (disruption of the donor splice site and creation of a de novo donor site within intron 21 of BRCA2). These observations suggest that the variant has an impact on splicing consistent with pathogenicity (PS1 (Splicing) met). In summary, this variant meets the criteria to be classified as a Pathogenic variant for BRCA2-related cancer predisposition based on the ACMG/AMP criteria applied as specified by the ENIGMA BRCA1/2 VCEP (PM2_Supporting, PP4_Moderate, PVS1_Strong (RNA), PS1 (Splicing), PS3).

Labcorp Genetics (formerly Invitae), Labcorp
Classification: Pathogenic for Hereditary breast ovarian cancer syndrome. Last evaluated: 2025-12-24. Review status: criteria provided, single submitter. Criteria: Invitae Variant Classification Sherloc (09022015). Collection method: clinical testing. Allele origin: germline. Not counted in ClinVar's aggregate classification.
Comment: This sequence change falls in intron 21 of the BRCA2 gene. It does not directly change the encoded amino acid sequence of the BRCA2 protein. RNA analysis indicates that this variant induces altered splicing and may result in an absent or altered protein product. This variant is not present in population databases (gnomAD no frequency). This variant has not been reported in the literature in individuals affected with BRCA2-related conditions. ClinVar contains an entry for this variant (Variation ID: 220353). Variants that disrupt the consensus splice site are a relatively common cause of aberrant splicing (PMID: 17576681, 9536098). Studies have shown that this variant results in activation of a cryptic splice site, and produces a non-functional protein and/or introduces a premature termination codon (PMID: 32133419; internal data). This variant disrupts the c.8754+4A nucleotide in the BRCA2 gene. Other variant(s) that disrupt this nucleotide have been determined to be pathogenic (PMID: 17011978, 17924331, 20927582, 21990134, 22505045, 27433846). This suggests that this nucleotide is clinically significant, and that variants that disrupt this position are likely to be disease-causing. For these reasons, this variant has been classified as Pathogenic.

Women's Health and Genetics/Laboratory Corporation of America, LabCorp
Classification: Pathogenic for Hereditary breast ovarian cancer syndrome. Last evaluated: 2025-05-09. Review status: criteria provided, single submitter. Criteria: LabCorp Variant Classification Summary - May 2015. Collection method: clinical testing. Allele origin: germline. Not counted in ClinVar's aggregate classification.
Comment: Variant summary: BRCA2 c.8754+4A>T alters a conserved nucleotide located close to a canonical splice site and therefore could affect mRNA splicing, leading to a significantly altered protein sequence. Several computational tools predict a significant impact on normal splicing: One predict the variant abolishes a 5' splicing donor site. Three predict the variant weakens a 5' donor site. At least three publications report experimental evidence that this variant affects mRNA splicing by activation of a downstream intronic splice donor leading to a retention of 46 nucleotides (example, Karam_2019, Landrith_2020, Dong_2023) The variant was absent in 250906 control chromosomes. To our knowledge, no occurrence of c.8754+4A>T in individuals affected with Hereditary Breast And Ovarian Cancer Syndrome has been reported. However, a different variant affecting the same nucleotide has been classified as pathogenic by our lab (c.8754+4A>G), suggesting that this nucleotide is clinically significant and that variants that disrupt this position are likely to be disease-causing. The following publications have been ascertained in the context of this evaluation (PMID: 31642931, 32133419, 9536098, 36446827). ClinVar contains an entry for this variant (Variation ID: 220353). Based on the evidence outlined above, the variant was classified as pathogenic.

Ambry Genetics
Classification: Likely pathogenic for Hereditary cancer-predisposing syndrome. Last evaluated: 2025-01-03. Review status: criteria provided, single submitter. Criteria: Ambry Variant Classification Scheme 2023. Collection method: clinical testing. Allele origin: germline. Not counted in ClinVar's aggregate classification.
Comment: The c.8754+4A>T intronic variant results from an A to T substitution 4 nucleotides after coding exon 20 in the BRCA2 gene. This nucleotide position is highly conserved in available vertebrate species. In silico splice site analysis predicts that this alteration will weaken the native splice donor site and will result in the creation or strengthening of a novel splice donor site. RNA studies have demonstrated this alteration results in abnormal splicing (Ambry internal data). Another alteration impacting the same donor site (c.8754+4A>G) has been shown to have a similar impact on splicing and is predicted to be pathogenic in multifactorial analyses (Bonatti F et al. Cancer Genet Cytogenet 2006 Oct;170(2):93-101; Acedo A et al. Hum Mutat 2015 Feb;36(2):210-21; Lindor NM et al. Hum Mutat 2012 Jan;33(1):8-21.) . Based on the majority of available evidence to date, this variant is likely to be pathogenic.

Color Diagnostics, LLC DBA Color Health
Classification: Likely pathogenic for Hereditary cancer-predisposing syndrome. Last evaluated: 2023-11-01. Review status: criteria provided, single submitter. Criteria: ACMG Guidelines, 2015. Collection method: clinical testing. Allele origin: germline. Not counted in ClinVar's aggregate classification.
Comment: This variant causes an A to T nucleotide substitution at the +4 position of intron 21 of the BRCA2 gene. Splice site prediction tools predict that this variant may have a significant impact on RNA splicing. RNA studies have shown this variant produces a mutant transcript that partially retains 46 nucleotides of intron 21, creating a frameshift and premature translation stop signal (PMID: 31642931, 32133419, 36446827). This variant has not been reported in individuals affected with BRCA2-related disorders in the literature. However, a different variant at the same nucleotide position, BRCA2 c.8754+4A>G, has been reported as Pathogenic (ClinVar variation ID 52669). The BRCA2 c.8754+4A>T variant has not been identified in the general population by the Genome Aggregation Database (gnomAD). Loss of BRCA2 function is a known mechanism of disease. Based on the available evidence, this variant is classified as Likely Pathogenic.

Baylor Genetics
Classification: Likely pathogenic for Familial cancer of breast. Last evaluated: 2023-03-03. Review status: criteria provided, single submitter. Criteria: ACMG Guidelines, 2015. Collection method: clinical testing. Allele origin: unknown. Not counted in ClinVar's aggregate classification.

Counsyl
Classification: Uncertain significance for Breast-ovarian cancer, familial, susceptibility to, 2. Last evaluated: 2016-09-07. Review status: no assertion criteria provided. Collection method: clinical testing. Allele origin: unknown. Not counted in ClinVar's aggregate classification.

Literature cited by the submitters: PubMed 17576681 (cited by Labcorp Genetics (formerly Invitae), Labcorp); PubMed 9536098 (cited by Labcorp Genetics (formerly Invitae), Labcorp and Women's Health and Genetics/Laboratory Corporation of America, LabCorp); PubMed 32133419 (cited by 3 submitters); PubMed 17011978 (cited by Labcorp Genetics (formerly Invitae), Labcorp and Counsyl); PubMed 17924331 (cited by Labcorp Genetics (formerly Invitae), Labcorp); PubMed 20927582 (cited by Labcorp Genetics (formerly Invitae), Labcorp); PubMed 21990134 (cited by Labcorp Genetics (formerly Invitae), Labcorp); PubMed 22505045 (cited by Labcorp Genetics (formerly Invitae), Labcorp and Counsyl); PubMed 27433846 (cited by Labcorp Genetics (formerly Invitae), Labcorp); PubMed 31642931 (cited by Women's Health and Genetics/Laboratory Corporation of America, LabCorp and Color Diagnostics, LLC DBA Color Health); PubMed 36446827 (cited by Women's Health and Genetics/Laboratory Corporation of America, LabCorp and Color Diagnostics, LLC DBA Color Health); PubMed 25382762 (cited by Counsyl).